The following is an entry in ClinVar:

NM_000092.5(COL4A4):c.596G>C (p.Gly199Ala)

Gene: COL4A4 (collagen type IV alpha 4 chain; minus strand). Cytogenetic location: 2q36.3.
Variant type: single nucleotide variant.
Coding change: c.596G>C on transcript NM_000092.5 (MANE Select); coding-DNA position 596, G replaced by C.
Protein change: p.Gly199Ala; replaces glycine 199 with alanine.
Molecular consequence: missense variant.
Genome position (GRCh38, 1-based): chr2:227,109,285, C>G on the plus strand (G>C on the coding strand, the complement: COL4A4 is on the minus strand). VCF-style: chr2-227109285-C-G. GRCh37 (hg19) VCF-style: chr2-227974001-C-G.
Other names: short protein forms G199A.
Identifiers: ClinVar variation 1920692 (VCV001920692.6), dbSNP rs1559646395, ClinGen allele CA350859866.

ClinVar aggregate classification (germline): Conflicting classifications of pathogenicity. Review status: criteria provided, conflicting classifications (1 of 4 stars). 2 submissions from 2 submitters: Likely pathogenic (1); Uncertain significance (1). Last evaluated 2025-09-28.

Conditions:
Alport syndrome. Also called: Hemorrhagic familial nephritis; Hemorrhagic hereditary nephritis; Congenital hereditary hematuria. Identifiers: Orphanet 63, MedGen C1567741, MONDO:0018965.

Submissions (2):

Natera, Inc.
Classification: Likely pathogenic for Alport syndrome. Last evaluated: 2025-09-28. Review status: criteria provided, single submitter. Criteria: Natera Variant Classification Schema (03/2026). Collection method: clinical testing. Allele origin: germline.
Comment: The c.596G>C variant in COL4A4 is a missense variant predicted to cause substitution of glycine to alanine at amino acid 199. This variant is rare in the general population with a frequency below the threshold expected for the associated phenotype(s). This variant is located in a functionally critical region of the protein. A different variant at the same position has been determined to be Pathogenic or Likely Pathogenic. Computational prediction algorithms indicate this variant is likely to affect gene or protein function. Given the available evidence, this variant is classified as Likely Pathogenic.

Labcorp Genetics (formerly Invitae), Labcorp
Classification: Uncertain significance. Last evaluated: 2022-03-19. Review status: criteria provided, single submitter. Criteria: Invitae Variant Classification Sherloc (09022015). Collection method: clinical testing. Allele origin: germline.
Comment: This sequence change replaces glycine, which is neutral and non-polar, with alanine, which is neutral and non-polar, at codon 199 of the COL4A4 protein (p.Gly199Ala). This variant is not present in population databases (gnomAD no frequency). This variant has not been reported in the literature in individuals affected with COL4A4-related conditions. Algorithms developed to predict the effect of missense changes on protein structure and function are either unavailable or do not agree on the potential impact of this missense change (SIFT: "Deleterious"; PolyPhen-2: "Probably Damaging"; Align-GVGD: "Class C0"). In summary, the available evidence is currently insufficient to determine the role of this variant in disease. Therefore, it has been classified as a Variant of Uncertain Significance.